The following is an entry in ClinVar:

ClinVar aggregate classification (germline): Uncertain significance (1 of 4 stars; one submission).

Submission:

GeneDx
Classification: Uncertain significance. Last evaluated: 2025-04-30. Review status: criteria provided, single submitter. Criteria: GeneDx Variant Classification Process June 2021. Collection method: clinical testing. Allele origin: germline. Affected: yes.
Comment: Not observed at significant frequency in large population cohorts (gnomAD); In silico analysis supports that this missense variant has a deleterious effect on protein structure/function; Has not been previously published as pathogenic or benign to our knowledge

NM_001366521.1(ATP2B1):c.3142G>A (p.Gly1048Arg)

Gene: ATP2B1 (ATPase plasma membrane Ca2+ transporting 1; minus strand). Cytogenetic location: 12q21.33.
Variant type: single nucleotide variant.
Coding change: c.3142G>A on transcript NM_001366521.1 (MANE Select); coding-DNA position 3142, G replaced by A.
Protein change: p.Gly1048Arg; replaces glycine 1048 with arginine.
Molecular consequence: missense variant. On other transcripts: non-coding transcript variant (2), intron variant (5).
Genome position (GRCh38, 1-based): chr12:89,601,352, C>T on the plus strand (G>A on the coding strand, the complement: ATP2B1 is on the minus strand). VCF-style: chr12-89601352-C-T. GRCh37 (hg19) VCF-style: chr12-89995129-C-T.
Other names: c.3142G>A, p.Gly1048Arg (NM_001366527.1, NM_001413046.1, NM_001413047.1 and 8 more transcripts); c.2944G>A, p.Gly982Arg (NM_001366530.1, NM_001413053.1); c.2581G>A, p.Gly861Arg (NM_001366531.1, NM_001366532.1, NM_001413058.1 and 2 more transcripts); c.3103G>A, p.Gly1035Arg (NM_001413048.1); c.3001G>A, p.Gly1001Arg (NM_001413051.1, NM_001413052.1); c.2899G>A, p.Gly967Arg (NM_001413054.1); c.2887G>A, p.Gly963Arg (NM_001413056.1); c.2689G>A, p.Gly897Arg (NM_001413057.1); and 2 more; short protein forms G1001R, G1035R, G1048R, G861R, G897R, G963R, G967R, G982R.
Identifiers: ClinVar variation 4527848 (VCV004527848.1).